The following is an entry in ClinVar:

ClinVar aggregate classification (germline): Likely benign. Review status: criteria provided, multiple submitters, no conflicts (2 of 4 stars). 5 submissions from 5 submitters: Likely benign (4). 1 of the submissions does not count toward it. Last evaluated 2024-05-20.

Conditions:
Usher syndrome type 2A. Also called: USHER SYNDROME, TYPE IIA; RETINAL DISEASE IN USHER SYNDROME TYPE IIA, MODIFIER OF. Identifiers: Orphanet 231178, Orphanet 886, MedGen C1848634, MONDO:0010169, OMIM 276901.
Retinitis pigmentosa 39 (RP39). Identifiers: Orphanet 791, MedGen C3151138, MONDO:0013436, OMIM 613809.

Allele frequency attached by ClinVar (database versions not stated): gnomAD 0.00021 and 0.00023; ExAC 0.00026; gnomAD exomes 0.00038 and 0.00017; TOPMed 0.00004; ESP Exome Variant Server 0.00008.
gnomAD v4.1: 279 of 1,613,926 alleles (0.017%); highest among the groups gnomAD compares: Non-Finnish European, 0.0033%; no homozygotes.

Submissions (5):

Blueprint Genetics
Classification: Likely benign. Last evaluated: 2024-05-20. Review status: criteria provided, single submitter. Criteria: ACMG Guidelines, 2015. Collection method: clinical testing. Allele origin: germline.

Labcorp Genetics (formerly Invitae), Labcorp
Classification: Likely benign. Last evaluated: 2024-03-07. Review status: criteria provided, single submitter. Criteria: Invitae Variant Classification Sherloc (09022015). Collection method: clinical testing. Allele origin: germline.

GeneDx
Classification: Likely benign. Last evaluated: 2017-12-01. Review status: criteria provided, single submitter. Criteria: GeneDx Variant Classification (06012015). Collection method: clinical testing. Allele origin: germline. Affected: yes.
Comment: This variant is considered likely benign or benign based on one or more of the following criteria: it is a conservative change, it occurs at a poorly conserved position in the protein, it is predicted to be benign by multiple in silico algorithms, and/or has population frequency not consistent with disease.

Laboratory for Molecular Medicine, Mass General Brigham Personalized Medicine
Classification: Likely benign. Last evaluated: 2010-12-22. Review status: criteria provided, single submitter. Criteria: LMM Criteria. Collection method: clinical testing. Allele origin: germline. Observed: 1 variant allele.
Comment: The Leu105Phe variant in USH2A has not been reported in the literature nor previ ously identified by our laboratory. This residue is not highly conserved in mamm als and computational analyses (PolyPhen2, SIFT, AlignGVGD) do not suggest a hig h likelihood of impact to the protein. In addition, horse has Phenylalanine sugg esting that this variant is well tolerated at this position. In summary, the dat a suggests that this variant is more likely benign.

Counsyl
Classification: Uncertain significance for Usher syndrome type 2A; Retinitis pigmentosa 39. Last evaluated: 2017-07-25. Review status: no assertion criteria provided. Collection method: clinical testing. Allele origin: unknown. Not counted in ClinVar's aggregate classification.

NM_206933.4(USH2A):c.313C>T (p.Leu105Phe)

Gene: USH2A (usherin; minus strand). Cytogenetic location: 1q41.
Variant type: single nucleotide variant.
Coding change: c.313C>T on transcript NM_206933.4 (MANE Select); coding-DNA position 313, C replaced by T.
Protein change: p.Leu105Phe; replaces leucine 105 with phenylalanine.
Molecular consequence: missense variant.
Genome position (GRCh38, 1-based): chr1:216,422,024, G>A on the plus strand (C>T on the coding strand, the complement: USH2A is on the minus strand). VCF-style: chr1-216422024-G-A. GRCh37 (hg19) VCF-style: chr1-216595366-G-A.
Other names: c.313C>T, p.Leu105Phe (NM_007123.6); short protein forms L105F.
Identifiers: ClinVar variation 48496 (VCV000048496.15), dbSNP rs375083165, ClinGen allele CA143456.